The following is an entry in ClinVar:

NM_000283.4(PDE6B):c.1664C>G (p.Thr555Ser)

Gene: PDE6B (phosphodiesterase 6B; plus strand). Cytogenetic location: 4p16.3.
Variant type: single nucleotide variant.
Coding change: c.1664C>G on transcript NM_000283.4 (MANE Select); coding-DNA position 1664, C replaced by G.
Protein change: p.Thr555Ser; replaces threonine 555 with serine.
Molecular consequence: missense variant.
Genome position (GRCh38, 1-based): chr4:662,183, C>G. VCF-style: chr4-662183-C-G. GRCh37 (hg19) VCF-style: chr4-655972-C-G.
Other names: c.1664C>G, p.Thr555Ser (NM_001145291.2); c.827C>G, p.Thr276Ser (NM_001145292.2, NM_001350154.3, NM_001379246.1 and 1 more transcripts); c.509C>G, p.Thr170Ser (NM_001350155.3); short protein forms T170S, T276S, T555S.
Identifiers: ClinVar variation 2839214 (VCV002839214.3), dbSNP rs905974187, ClinGen allele CA355916889.

ClinVar aggregate classification (germline): Uncertain significance (1 of 4 stars; one submission).

Submission:

Labcorp Genetics (formerly Invitae), Labcorp
Classification: Uncertain significance. Last evaluated: 2023-08-17. Review status: criteria provided, single submitter. Criteria: Invitae Variant Classification Sherloc (09022015). Collection method: clinical testing. Allele origin: germline.
Comment: In summary, the available evidence is currently insufficient to determine the role of this variant in disease. Therefore, it has been classified as a Variant of Uncertain Significance. Advanced modeling of protein sequence and biophysical properties (such as structural, functional, and spatial information, amino acid conservation, physicochemical variation, residue mobility, and thermodynamic stability) has been performed at Invitae for this missense variant, however the output from this modeling did not meet the statistical confidence thresholds required to predict the impact of this variant on PDE6B protein function. This variant has not been reported in the literature in individuals affected with PDE6B-related conditions. This variant is not present in population databases (gnomAD no frequency). This sequence change replaces threonine, which is neutral and polar, with serine, which is neutral and polar, at codon 555 of the PDE6B protein (p.Thr555Ser).